The following is an entry in ClinVar:

ClinVar aggregate classification (germline): Uncertain significance (0 of 4 stars; one submission).

Submission:

Richard Lifton Laboratory, Yale University School of Medicine
Classification: Uncertain significance. Review status: no assertion criteria provided. Collection method: not provided. Allele origin: somatic.
Comment: CYP7A1
ClinVar note: Converted during submission from unknown to Uncertain significance.

NM_000780.4(CYP7A1):c.907A>T (p.Arg303Trp)

Gene: CYP7A1 (cytochrome P450 family 7 subfamily A member 1; minus strand). Cytogenetic location: 8q12.1.
Variant type: single nucleotide variant.
Coding change: c.907A>T on transcript NM_000780.4 (MANE Select); coding-DNA position 907, A replaced by T.
Protein change: p.Arg303Trp; replaces arginine 303 with tryptophan.
Molecular consequence: missense variant.
Genome position (GRCh38, 1-based): chr8:58,496,605, T>A on the plus strand (A>T on the coding strand, the complement: CYP7A1 is on the minus strand). VCF-style: chr8-58496605-T-A. GRCh37 (hg19) VCF-style: chr8-59409164-T-A.
Other names: short protein forms R303W.
Identifiers: ClinVar variation 91913 (VCV000091913.2), dbSNP rs386352295, ClinGen allele CA232149.